The following is an entry in ClinVar:

NM_005921.2(MAP3K1):c.628C>T (p.Pro210Ser)

Gene: MAP3K1 (mitogen-activated protein kinase kinase kinase 1; plus strand). Cytogenetic location: 5q11.2.
Variant type: single nucleotide variant.
Coding change: c.628C>T on transcript NM_005921.2 (MANE Select); coding-DNA position 628, C replaced by T.
Protein change: p.Pro210Ser; replaces proline 210 with serine.
Molecular consequence: missense variant.
Genome position (GRCh38, 1-based): chr5:56,856,745, C>T. VCF-style: chr5-56856745-C-T. GRCh37 (hg19) VCF-style: chr5-56152572-C-T.
Other names: short protein forms P210S.
Identifiers: ClinVar variation 4744140 (VCV004744140.1).

ClinVar aggregate classification (germline): Uncertain significance (1 of 4 stars; one submission).

Conditions:
46,XY sex reversal 6. Also called: 46,XY SEX REVERSAL, PARTIAL OR COMPLETE, MAP3K1-RELATED; 46,XY GONADAL DYSGENESIS, PARTIAL OR COMPLETE, MAP3K1-RELATED. Identifiers: MedGen C3151064, MONDO:0013410, OMIM 613762.

Submission:

Labcorp Genetics (formerly Invitae), Labcorp
Classification: Uncertain significance for 46,XY sex reversal 6. Last evaluated: 2025-06-23. Review status: criteria provided, single submitter. Criteria: Invitae Variant Classification Sherloc (09022015). Collection method: clinical testing. Allele origin: germline.
Comment: This sequence change replaces proline, which is neutral and non-polar, with serine, which is neutral and polar, at codon 210 of the MAP3K1 protein (p.Pro210Ser). This variant is not present in population databases (gnomAD no frequency). This missense change has been observed in individual(s) with 46,XY gonadal dysgenesis (internal data). Invitae Evidence Modeling of protein sequence and biophysical properties (such as structural, functional, and spatial information, amino acid conservation, physicochemical variation, residue mobility, and thermodynamic stability) has been performed for this missense variant. However, the output from this modeling did not meet the statistical confidence thresholds required to predict the impact of this variant on MAP3K1 protein function. This variant disrupts the p.Pro210 amino acid residue in MAP3K1. Other variant(s) that disrupt this residue have been observed in individuals with MAP3K1-related conditions (PMID: 32985417; internal data), which suggests that this may be a clinically significant amino acid residue. In summary, the available evidence is currently insufficient to determine the role of this variant in disease. Therefore, it has been classified as a Variant of Uncertain Significance.

Literature cited by the submitters: PubMed 32985417.